The following is an entry in ClinVar:

ClinVar aggregate classification (germline): Uncertain significance (1 of 4 stars; one submission).

Conditions:
Aortic aneurysm, familial thoracic 8 (AAT8). Identifiers: MedGen C3809513, MONDO:0014187, OMIM 615436.

Submission:

Labcorp Genetics (formerly Invitae), Labcorp
Classification: Uncertain significance for Aortic aneurysm, familial thoracic 8. Last evaluated: 2023-11-28. Review status: criteria provided, single submitter. Criteria: Invitae Variant Classification Sherloc (09022015). Collection method: clinical testing. Allele origin: germline.
Comment: This sequence change replaces proline, which is neutral and non-polar, with serine, which is neutral and polar, at codon 241 of the PRKG1 protein (p.Pro241Ser). This variant is not present in population databases (gnomAD no frequency). This variant has not been reported in the literature in individuals affected with PRKG1-related conditions. An algorithm developed to predict the effect of missense changes on protein structure and function (PolyPhen-2) suggests that this variant is likely to be tolerated. In summary, the available evidence is currently insufficient to determine the role of this variant in disease. Therefore, it has been classified as a Variant of Uncertain Significance.

NM_006258.4(PRKG1):c.721C>T (p.Pro241Ser)

Gene: PRKG1 (protein kinase cGMP-dependent 1; plus strand). Cytogenetic location: 10q21.1.
Variant type: single nucleotide variant.
Coding change: c.721C>T on transcript NM_006258.4 (MANE Select); coding-DNA position 721, C replaced by T.
Protein change: p.Pro241Ser; replaces proline 241 with serine.
Molecular consequence: missense variant.
Genome position (GRCh38, 1-based): chr10:51,907,529, C>T. VCF-style: chr10-51907529-C-T. GRCh37 (hg19) VCF-style: chr10-53667289-C-T.
Other names: c.676C>T, p.Pro226Ser (NM_001098512.3); c.721C>T, p.Pro241Ser (NM_001374782.1); short protein forms P241S, P226S.
Identifiers: ClinVar variation 3011598 (VCV003011598.3), dbSNP rs2494391935, ClinGen allele CA376533545.